The following is an entry in ClinVar:

ClinVar aggregate classification (germline): Uncertain significance (1 of 4 stars; one submission).

Conditions:
Autosomal dominant Parkinson disease 8. Also called: LRRK2-Related Parkinson Disease; Parkinson disease 8; Parkinson disease 8, susceptibility to. Identifiers: Orphanet 411602, MedGen C1846862, MONDO:0011764, OMIM 607060.

Allele frequency attached by ClinVar (database versions not stated): gnomAD exomes 0.00001; ExAC 0.00002; gnomAD 0.00007; TOPMed 0.00010; 1000 Genomes Project 30x 0.00016; 1000 Genomes Project 0.00020.

Submission:

Labcorp Genetics (formerly Invitae), Labcorp
Classification: Uncertain significance for Autosomal dominant Parkinson disease 8. Last evaluated: 2024-01-15. Review status: criteria provided, single submitter. Criteria: Invitae Variant Classification Sherloc (09022015). Collection method: clinical testing. Allele origin: germline.
Comment: This sequence change falls in intron 30 of the LRRK2 gene. It does not directly change the encoded amino acid sequence of the LRRK2 protein. It affects a nucleotide within the consensus splice site. This variant is present in population databases (rs199838662, gnomAD 0.008%). This variant has not been reported in the literature in individuals affected with LRRK2-related conditions. Variants that disrupt the consensus splice site are a relatively common cause of aberrant splicing (PMID: 17576681, 9536098). Algorithms developed to predict the effect of sequence changes on RNA splicing suggest that this variant is not likely to affect RNA splicing. In summary, the available evidence is currently insufficient to determine the role of this variant in disease. Therefore, it has been classified as a Variant of Uncertain Significance.

Literature cited by the submitters: PubMed 17576681; PubMed 9536098.

NM_198578.4(LRRK2):c.4317+4A>T

Gene: LRRK2 (leucine rich repeat kinase 2; plus strand). Cytogenetic location: 12q12.
Variant type: single nucleotide variant.
Coding change: c.4317+4A>T on transcript NM_198578.4 (MANE Select); 4 bases into the intron after coding-DNA position 4317, A replaced by T.
Molecular consequence: intron variant.
Genome position (GRCh38, 1-based): chr12:40,309,237, A>T. VCF-style: chr12-40309237-A-T. GRCh37 (hg19) VCF-style: chr12-40703039-A-T.
Identifiers: ClinVar variation 3007719 (VCV003007719.3), dbSNP rs199838662, ClinGen allele CA6514128.